The following is an entry in ClinVar:

ClinVar aggregate classification (germline): Uncertain significance (1 of 4 stars; one submission).

Conditions:
Inborn genetic diseases. Identifiers: MedGen C0950123, MeSH D030342.

Submission:

Ambry Genetics
Classification: Uncertain significance for Inborn genetic diseases. Last evaluated: 2024-08-09. Review status: criteria provided, single submitter. Criteria: Ambry Variant Classification Scheme 2023. Collection method: clinical testing. Allele origin: germline.
Comment: The p.P666Q variant (also known as c.1997C>A), located in coding exon 12 of the EPAS1 gene, results from a C to A substitution at nucleotide position 1997. The proline at codon 666 is replaced by glutamine, an amino acid with similar properties. This amino acid position is conserved. In addition, this alteration is predicted to be tolerated by in silico analysis. Based on the available evidence, the clinical significance of this variant remains unclear.

NM_001430.5(EPAS1):c.1997C>A (p.Pro666Gln)

Gene: EPAS1 (endothelial PAS domain protein 1; plus strand). Cytogenetic location: 2p21.
Variant type: single nucleotide variant.
Coding change: c.1997C>A on transcript NM_001430.5 (MANE Select); coding-DNA position 1997, C replaced by A.
Protein change: p.Pro666Gln; replaces proline 666 with glutamine.
Molecular consequence: missense variant.
Genome position (GRCh38, 1-based): chr2:46,380,669, C>A. VCF-style: chr2-46380669-C-A. GRCh37 (hg19) VCF-style: chr2-46607808-C-A.
Other names: short protein forms P666Q.
Identifiers: ClinVar variation 3508967 (VCV003508967.1).